The following is an entry in ClinVar:

NM_001933.5(DLST):c.901+3G>C

Gene: DLST (dihydrolipoamide S-succinyltransferase; plus strand). Cytogenetic location: 14q24.3.
Variant type: single nucleotide variant.
Coding change: c.901+3G>C on transcript NM_001933.5 (MANE Select); 3 bases into the intron after coding-DNA position 901, G replaced by C.
Molecular consequence: intron variant.
Genome position (GRCh38, 1-based): chr14:74,898,502, G>C. VCF-style: chr14-74898502-G-C. GRCh37 (hg19) VCF-style: chr14-75365205-G-C.
Identifiers: ClinVar variation 3631819 (VCV003631819.2).

ClinVar aggregate classification (germline): Uncertain significance (1 of 4 stars; one submission).

gnomAD v4.1: 3 of 1,613,866 alleles (0.00019%); highest among the groups gnomAD compares: Non-Finnish European, 0.00025%; no homozygotes.

Submission:

Labcorp Genetics (formerly Invitae), Labcorp
Classification: Uncertain significance. Last evaluated: 2024-05-13. Review status: criteria provided, single submitter. Criteria: Invitae Variant Classification Sherloc (09022015). Collection method: clinical testing. Allele origin: germline.
Comment: This sequence change falls in intron 11 of the DLST gene. It does not directly change the encoded amino acid sequence of the DLST protein. It affects a nucleotide within the consensus splice site. This variant is present in population databases (no rsID available, gnomAD 0.0009%). This variant has not been reported in the literature in individuals affected with DLST-related conditions. Variants that disrupt the consensus splice site are a relatively common cause of aberrant splicing (PMID: 17576681, 9536098). Algorithms developed to predict the effect of sequence changes on RNA splicing suggest that this variant may disrupt the consensus splice site. In summary, the available evidence is currently insufficient to determine the role of this variant in disease. Therefore, it has been classified as a Variant of Uncertain Significance.

Literature cited by the submitters: PubMed 17576681; PubMed 9536098.